The following is an entry in ClinVar:

NM_001110556.2(FLNA):c.3958G>C (p.Glu1320Gln)

Gene: FLNA (filamin A; minus strand). Cytogenetic location: Xq28.
Variant type: single nucleotide variant.
Coding change: c.3958G>C on transcript NM_001110556.2 (MANE Select); coding-DNA position 3958, G replaced by C.
Protein change: p.Glu1320Gln; replaces glutamic acid 1320 with glutamine.
Molecular consequence: missense variant.
Genome position (GRCh38, 1-based): chrX:154,359,753, C>G on the plus strand (G>C on the coding strand, the complement: FLNA is on the minus strand). VCF-style: chrX-154359753-C-G. GRCh37 (hg19) VCF-style: chrX-153588121-C-G.
Other names: c.3958G>C, p.Glu1320Gln (NM_001456.4); short protein forms E1320Q.
Identifiers: ClinVar variation 3763935 (VCV003763935.2).

ClinVar aggregate classification (germline): Uncertain significance (1 of 4 stars; one submission).

Conditions:
Oto-palato-digital syndrome, type II (OPD2). Also called: Otopalatodigital Syndrome Type 2 (FLNA-OPD2); FACIOPALATOOSSEOUS SYNDROME; OPD II SYNDROME; Otopalatodigital Syndrome, Type II. Identifiers: Orphanet 669, Orphanet 90652, MedGen C1844696, MONDO:0010571, OMIM 304120.
Heterotopia, periventricular, X-linked dominant (PVNH1). Also called: PERIVENTRICULAR NODULAR HETEROTOPIA 1; X-linked periventricular heterotopia; PERIVENTRICULAR NODULAR HETEROTOPIA 4; HETEROTOPIA, PERIVENTRICULAR, 1. Identifiers: Orphanet 2149, Orphanet 82004, MedGen C1848213, MONDO:0010233, OMIM 300049.
Frontometaphyseal dysplasia (FMD1). Identifiers: Orphanet 1826, MedGen C0265293, MONDO:0015942.
Melnick-Needles syndrome (MNS). Also called: Melnick-Needles Syndrome (FLNA-MNS); MELNICK-NEEDLES OSTEODYSPLASTY; OSTEODYSPLASTY OF MELNICK AND NEEDLES. Identifiers: Orphanet 2484, MedGen C0025237, MONDO:0010650, OMIM 309350.

Submission:

Labcorp Genetics (formerly Invitae), Labcorp
Classification: Uncertain significance for Oto-palato-digital syndrome, type II; Heterotopia, periventricular, X-linked dominant; Frontometaphyseal dysplasia; Melnick-Needles syndrome. Last evaluated: 2024-11-21. Review status: criteria provided, single submitter. Criteria: Invitae Variant Classification Sherloc (09022015). Collection method: clinical testing. Allele origin: germline.
Comment: This sequence change replaces glutamic acid, which is acidic and polar, with glutamine, which is neutral and polar, at codon 1320 of the FLNA protein (p.Glu1320Gln). This variant is not present in population databases (gnomAD no frequency). This variant has not been reported in the literature in individuals affected with FLNA-related conditions. Invitae Evidence Modeling of protein sequence and biophysical properties (such as structural, functional, and spatial information, amino acid conservation, physicochemical variation, residue mobility, and thermodynamic stability) indicates that this missense variant is not expected to disrupt FLNA protein function with a negative predictive value of 95%. In summary, the available evidence is currently insufficient to determine the role of this variant in disease. Therefore, it has been classified as a Variant of Uncertain Significance.